The following is an entry in ClinVar:

ClinVar aggregate classification (germline): Uncertain significance. Review status: criteria provided, multiple submitters, no conflicts (2 of 4 stars). 3 submissions from 3 submitters: Uncertain significance (3). Last evaluated 2026-01-25.

Conditions:
Inborn genetic diseases. Identifiers: MedGen C0950123, MeSH D030342.
Rapadilino syndrome. Identifiers: Orphanet 3021, MedGen C1849453, MONDO:0009955, OMIM 266280.
Baller-Gerold syndrome (BGS). Also called: CRANIOSYNOSTOSIS WITH RADIAL DEFECTS. Identifiers: Orphanet 1225, MedGen C0265308, MONDO:0009039, OMIM 218600.
Rothmund-Thomson syndrome type 2 (RTS2). Identifiers: Orphanet 221016, MedGen C5203410, MONDO:0016369, OMIM 268400.

Allele frequency attached by ClinVar (database versions not stated): TOPMed below 0.00001; gnomAD 0.00001 and 0.00002; gnomAD exomes 0.00001 and 0.00003; ExAC 0.00002.

Submissions (3):

Labcorp Genetics (formerly Invitae), Labcorp
Classification: Uncertain significance for Baller-Gerold syndrome. Last evaluated: 2026-01-25. Review status: criteria provided, single submitter. Criteria: Invitae Variant Classification Sherloc (09022015). Collection method: clinical testing. Allele origin: germline.
Comment: This sequence change replaces arginine, which is basic and polar, with tryptophan, which is neutral and slightly polar, at codon 804 of the RECQL4 protein (p.Arg804Trp). This variant is present in population databases (rs753536598, gnomAD 0.03%). This variant has not been reported in the literature in individuals affected with RECQL4-related conditions. ClinVar contains an entry for this variant (Variation ID: 459398). Invitae Evidence Modeling of protein sequence and biophysical properties (such as structural, functional, and spatial information, amino acid conservation, physicochemical variation, residue mobility, and thermodynamic stability) indicates that this missense variant is expected to disrupt RECQL4 protein function with a positive predictive value of 80%. In summary, the available evidence is currently insufficient to determine the role of this variant in disease. Therefore, it has been classified as a Variant of Uncertain Significance.

Ambry Genetics
Classification: Uncertain significance for Inborn genetic diseases. Last evaluated: 2022-01-18. Review status: criteria provided, single submitter. Criteria: Ambry Variant Classification Scheme 2023. Collection method: clinical testing. Allele origin: germline.

Fulgent Genetics
Classification: Uncertain significance for Baller-Gerold syndrome; Rapadilino syndrome; Rothmund-Thomson syndrome type 2. Last evaluated: 2022-01-03. Review status: criteria provided, single submitter. Criteria: ACMG Guidelines, 2015. Collection method: clinical testing. Allele origin: unknown.

NM_004260.4(RECQL4):c.2410C>T (p.Arg804Trp)

Gene: RECQL4 (RecQ like helicase 4; minus strand). Cytogenetic location: 8q24.3.
Variant type: single nucleotide variant.
Coding change: c.2410C>T on transcript NM_004260.4 (MANE Select); coding-DNA position 2410, C replaced by T.
Protein change: p.Arg804Trp; replaces arginine 804 with tryptophan.
Molecular consequence: missense variant.
Genome position (GRCh38, 1-based): chr8:144,513,271, G>A on the plus strand (C>T on the coding strand, the complement: RECQL4 is on the minus strand). VCF-style: chr8-144513271-G-A. GRCh37 (hg19) VCF-style: chr8-145738654-G-A.
Other names: short protein forms R804W.
Identifiers: ClinVar variation 459398 (VCV000459398.11), dbSNP rs753536598, ClinGen allele CA4948307.